The following is an entry in ClinVar:

ClinVar aggregate classification (germline): Uncertain significance. Review status: reviewed by expert panel (3 of 4 stars). 2 submissions from 2 submitters: Uncertain significance (1). 1 of the submissions does not count toward it. Last evaluated 2025-03-26.

Conditions:
Hereditary thrombocytopenia and hematologic cancer predisposition syndrome. Identifiers: Orphanet 71290, MedGen CN281654, MONDO:0011071.
Acute myeloid leukemia (AML). Also called: Acute myeloid leukemia, adult; AML adult; Acute non-lymphocytic leukemia; Acute granulocytic leukemia; Leukemia, acute myeloid, somatic; Leukemia, acute myelogenous, somatic. Identifiers: Orphanet 519, MedGen C0023467, MeSH D015470, MONDO:0018874, OMIM 601626, HP:0004808. Disease mechanism: Constitutively activated FLT3.

Submissions (2):

ClinGen Myeloid Malignancy Variant Curation Expert Panel
Classification: Uncertain significance for Hereditary thrombocytopenia and hematologic cancer predisposition syndrome. Last evaluated: 2025-03-26. Review status: reviewed by expert panel. Criteria: ClinGen MyeloMalig ACMG Specifications v2. Collection method: curation. Allele origin: germline. Inheritance: Autosomal dominant inheritance.
Comment: NM_001754.5(RUNX1):c.382A>T (p.Thr128Ser) is a missense variant which is completely absent from all population databases with at least 20x coverage for RUNX1 (PM2_supporting). This variant has a REVEL score of 0.94 (PP3). This missense variant is located within the Runt Homology Domain (AA 89-204), but does not occur in an established hotspot residue (PM1_supporting). In summary, the clinical significance of this variant is uncertain. ACMG/AMP criteria applied, as specified by the Myeloid Malignancy Variant Curation Expert Panel for RUNX1: PM2_supporting, PP3, PM1_supporting.

Baylor Genetics
Classification: Uncertain significance for Acute myeloid leukemia. Last evaluated: 2023-11-08. Review status: criteria provided, single submitter. Criteria: ACMG Guidelines, 2015. Collection method: clinical testing. Allele origin: unknown. Not counted in ClinVar's aggregate classification.

NM_001754.5(RUNX1):c.382A>T (p.Thr128Ser)

Genes: RUNX1-AS1 (RUNX1 antisense RNA 1; plus strand), RUNX1 (RUNX family transcription factor 1; minus strand). Cytogenetic location: 21q22.12.
Variant type: single nucleotide variant.
Coding change: c.382A>T on transcript NM_001754.5 (MANE Select); coding-DNA position 382, A replaced by T.
Protein change: p.Thr128Ser; replaces threonine 128 with serine.
Molecular consequence: missense variant.
Genome position (GRCh38, 1-based): chr21:34,880,683, T>A on the plus strand (A>T on the coding strand, the complement: RUNX1 is on the minus strand). VCF-style: chr21-34880683-T-A. GRCh37 (hg19) VCF-style: chr21-36252980-T-A.
Other names: NM_001754.5(RUNX1):c.382A>T; p.Thr128Ser; c.301A>T, p.Thr101Ser (NM_001001890.3, NM_001122607.2); short protein forms T101S, T128S.
Identifiers: ClinVar variation 3240392 (VCV003240392.2), dbSNP rs2146363360.